The following is an entry in ClinVar:

NM_201548.5(CERKL):c.763A>G (p.Thr255Ala)

Gene: CERKL (CERK like autophagy regulator; minus strand). Cytogenetic location: 2q31.3.
Variant type: single nucleotide variant.
Coding change: c.763A>G on transcript NM_201548.5 (MANE Select); coding-DNA position 763, A replaced by G.
Protein change: p.Thr255Ala; replaces threonine 255 with alanine.
Molecular consequence: missense variant. On other transcripts: non-coding transcript variant (2), intron variant (2).
Genome position (GRCh38, 1-based): chr2:181,558,623, T>C on the plus strand (A>G on the coding strand, the complement: CERKL is on the minus strand). VCF-style: chr2-181558623-T-C. GRCh37 (hg19) VCF-style: chr2-182423350-T-C.
Other names: c.841A>G (NM_001030311.2); c.841A>G, p.Thr281Ala (NM_001030311.3); c.709A>G, p.Thr237Ala (NM_001160277.2); c.482-8915A>G (NM_001030312.3); c.614-8915A>G (NM_001030313.3); short protein forms T255A, T237A, T281A.
Identifiers: ClinVar variation 1516196 (VCV001516196.7), dbSNP rs541121385, ClinGen allele CA61590032.
Genomic context (GRCh38, chr2:181,558,623, plus strand): 5'-TGCCTGCTGGTATTAAGCCAAGTGGAAGCTGTGCTCTGACAGGAGTCAGGATTCGGTCTG[T>C]TTCCATCCCAGCATTCTTCTGAGCTCTCAGAAGCAAAGCATGGGCTACTTCGCTAGCAGA-3'
Protein context (NP_963842.1, residues 245-265): LRAQKNAGME[Thr255Ala]DRILTPVRAQ

ClinVar aggregate classification (germline): Uncertain significance. Review status: criteria provided, multiple submitters, no conflicts (2 of 4 stars). 3 submissions from 3 submitters: Uncertain significance (3). Last evaluated 2024-12-12.

Conditions:
Inborn genetic diseases. Identifiers: MedGen C0950123, MeSH D030342.

Allele frequency attached by ClinVar (database versions not stated): gnomAD exomes below 0.00001; gnomAD 0.00001; TOPMed 0.00002; 1000 Genomes Project 0.00020; 1000 Genomes Project 30x 0.00031.
gnomAD v4.1: 2 of 1,613,790 alleles (0.00012%); highest among the groups gnomAD compares: Admixed American, 0.0033%; no homozygotes.

Submissions (3):

Ambry Genetics
Classification: Uncertain significance for Inborn genetic diseases. Last evaluated: 2024-12-12. Review status: criteria provided, single submitter. Criteria: Ambry Variant Classification Scheme 2023. Collection method: clinical testing. Allele origin: germline.

Blueprint Genetics
Classification: Uncertain significance. Last evaluated: 2024-06-20. Review status: criteria provided, single submitter. Criteria: ACMG Guidelines, 2015. Collection method: clinical testing. Allele origin: germline.

Labcorp Genetics (formerly Invitae), Labcorp
Classification: Uncertain significance. Last evaluated: 2022-08-16. Review status: criteria provided, single submitter. Criteria: Invitae Variant Classification Sherloc (09022015). Collection method: clinical testing. Allele origin: germline.
Comment: This sequence change replaces threonine, which is neutral and polar, with alanine, which is neutral and non-polar, at codon 281 of the CERKL protein (p.Thr281Ala). This variant is not present in population databases (gnomAD no frequency). This variant has not been reported in the literature in individuals affected with CERKL-related conditions. ClinVar contains an entry for this variant (Variation ID: 1516196). Algorithms developed to predict the effect of missense changes on protein structure and function output the following: SIFT: "Tolerated"; PolyPhen-2: "Benign"; Align-GVGD: "Class C0". The alanine amino acid residue is found in multiple mammalian species, which suggests that this missense change does not adversely affect protein function. In summary, the available evidence is currently insufficient to determine the role of this variant in disease. Therefore, it has been classified as a Variant of Uncertain Significance.